The following is an entry in ClinVar:

NM_152564.5(VPS13B):c.2980A>T (p.Lys994Ter)

Gene: VPS13B (vacuolar protein sorting 13 homolog B; plus strand). Cytogenetic location: 8q22.2.
Variant type: single nucleotide variant.
Coding change: c.2980A>T on transcript NM_152564.5 (MANE Select); coding-DNA position 2980, A replaced by T.
Protein change: p.Lys994Ter; replaces lysine 994 with a stop codon.
Molecular consequence: nonsense.
Genome position (GRCh38, 1-based): chr8:99,391,602, A>T. VCF-style: chr8-99391602-A-T. GRCh37 (hg19) VCF-style: chr8-100403830-A-T.
Other names: c.2980A>T, p.Lys994Ter (NM_017890.5); short protein forms K994*.
Identifiers: ClinVar variation 1724229 (VCV001724229.2), dbSNP rs2489875170, ClinGen allele CA371865664.
Genomic context (GRCh38, chr8:99,391,602, plus strand): 5'-TTTGTCTCTTTCCAGCAGCCTGTGGTAGCTGTTCCTCTTGTTATGCCAGTTTGTAGAAGG[A>T]AAGAGGATGAGGTGTCTATTGGAAGTGCCCCCTTGGCAAAGCAGCAATCATATCAGGCCT-3'

ClinVar aggregate classification (germline): Likely pathogenic (1 of 4 stars; one submission).

Conditions:
Cohen syndrome (COH1). Also called: PEPPER SYNDROME; Cutis verticis gyrata, retinitis pigmentosa, and sensorineural deafness. Identifiers: Orphanet 193, MedGen C0265223, MONDO:0008999, OMIM 216550.

Submission:

Myriad Genetics, Inc.
Classification: Likely pathogenic for Cohen syndrome. Last evaluated: 2021-12-17. Review status: criteria provided, single submitter. Criteria: Myriad Women's Health Autosomal Recessive and X-Linked Classification Criteria (2021). Collection method: clinical testing. Allele origin: unknown.
Comment: NM_017890.4(VPS13B):c.2980A>T(K994*) is expected to be pathogenic in the context of Cohen syndrome. This variant is predicted to lead to an abnormal or absent protein product due to the creation of a premature termination codon in VPS13B, a gene where loss-of-function variants are known to be pathogenic. Please note: this variant was assessed in the context of healthy population screening.